The following is an entry in ClinVar:

NM_002618.4(PEX13):c.141A>G (p.Ala47=)

Gene: PEX13 (peroxisomal biogenesis factor 13; plus strand). Cytogenetic location: 2p15.
Variant type: single nucleotide variant.
Coding change: c.141A>G on transcript NM_002618.4 (MANE Select); coding-DNA position 141, A replaced by G.
Protein change: p.Ala47=; no amino-acid change (alanine 47 retained).
Molecular consequence: synonymous variant.
Genome position (GRCh38, 1-based): chr2:61,031,467, A>G. VCF-style: chr2-61031467-A-G. GRCh37 (hg19) VCF-style: chr2-61258602-A-G.
Other names: c.141A>G (NM_002618.3).
Identifiers: ClinVar variation 282762 (VCV000282762.17), dbSNP rs79842991, ClinGen allele CA1673246.
Genomic context (GRCh38, chr2:61,031,467, plus strand): 5'-TTTTGGTTTTAGATCTGCTGATTTGGGTCCTACTTTAATGACAAGACCTGGACAACCAGC[A>G]CTTACCAGAGTGCCCCCACCTATTCTTCCAAGGCCATCACAGCAGACAGGAAGTAGCAGT-3'
Protein context (NP_002609.1, residues 37-57): PTLMTRPGQP[Ala47=]LTRVPPPILP

ClinVar aggregate classification (germline): Benign/Likely benign. Review status: criteria provided, multiple submitters, no conflicts (2 of 4 stars). 5 submissions from 5 submitters: Benign (1); Likely benign (3). 1 of the submissions does not count toward it. Last evaluated 2026-01-28.

Conditions:
PEX13-related disorder. Also called: PEX13-related disorders; PEX13-related condition.
Peroxisome biogenesis disorder 11A (Zellweger). Also called: Peroxisome biogenesis disorder 11A. Identifiers: Orphanet 912, MedGen C3554000, MONDO:0013949, OMIM 614883.

Allele frequency attached by ClinVar (database versions not stated): gnomAD exomes 0.00007 and 0.00021; ExAC 0.00026; gnomAD 0.00068 and 0.00075; TOPMed 0.00093; ESP Exome Variant Server 0.00108; 1000 Genomes Project 0.00120; 1000 Genomes Project 30x 0.00125.
gnomAD v4.1: 206 of 1,614,218 alleles (0.013%); highest among the groups gnomAD compares: African/African-American, 0.25%; 2 homozygotes.

Submissions (5):

Labcorp Genetics (formerly Invitae), Labcorp
Classification: Benign for Peroxisome biogenesis disorder 11A (Zellweger). Last evaluated: 2026-01-28. Review status: criteria provided, single submitter. Criteria: Invitae Variant Classification Sherloc (09022015). Collection method: clinical testing. Allele origin: germline.

Blueprint Genetics
Classification: Likely benign. Last evaluated: 2024-11-26. Review status: criteria provided, single submitter. Criteria: ACMG Guidelines, 2015. Collection method: clinical testing. Allele origin: germline.

Eurofins Ntd Llc (ga)
Classification: Likely benign. Last evaluated: 2015-08-24. Review status: criteria provided, single submitter. Criteria: EGL Classification Definitions 2015. Collection method: clinical testing. Allele origin: germline. Observed: 1 variant allele, 1 heterozygote.

Breakthrough Genomics
Classification: Likely benign. Review status: criteria provided, single submitter. Criteria: ACMG Guidelines, 2015. Collection method: not provided. Allele origin: germline. Inheritance: Autosomal recessive inheritance. Affected: yes.

PreventionGenetics, part of Exact Sciences
Classification: Likely benign for PEX13-related condition. Last evaluated: 2019-10-15. Review status: no assertion criteria provided. Collection method: clinical testing. Allele origin: germline. Not counted in ClinVar's aggregate classification.
Comment: This variant is classified as likely benign based on ACMG/AMP sequence variant interpretation guidelines (Richards et al. 2015 PMID: 25741868, with internal and published modifications).